The following is an entry in ClinVar:

NM_001367624.2(ZNF469):c.9964C>T (p.Leu3322Phe)

Gene: ZNF469 (zinc finger protein 469; plus strand). Cytogenetic location: 16q24.2.
Variant type: single nucleotide variant.
Coding change: c.9964C>T on transcript NM_001367624.2 (MANE Select); coding-DNA position 9964, C replaced by T.
Protein change: p.Leu3322Phe; replaces leucine 3322 with phenylalanine.
Molecular consequence: missense variant.
Genome position (GRCh38, 1-based): chr16:88,437,434, C>T. VCF-style: chr16-88437434-C-T. GRCh37 (hg19) VCF-style: chr16-88503842-C-T.
Other names: NM_001127464.1:c.9880C>T; short protein forms L3322F.
Identifiers: ClinVar variation 1768487 (VCV001768487.2), dbSNP rs988733189, ClinGen allele CA286386009.
Genomic context (GRCh38, chr16:88,437,434, plus strand): 5'-CCGGGCCCCCCCAGGACGACCCCCAGCCCGTCCCCCGACCCCTGGGCCGGCGGGGAGCCC[C>T]TCCTGCAAGCCACCCCGGTGCACGAGGCCTGCAAGGACCCCTCCCGCGACTGCCACCACT-3'
Protein context (NP_001354553.1, residues 3312-3332): SPDPWAGGEP[Leu3322Phe]LQATPVHEAC

ClinVar aggregate classification (germline): Uncertain significance (1 of 4 stars; one submission).

Conditions:
Cardiovascular phenotype. Identifiers: MedGen CN230736.

Allele frequency attached by ClinVar (database versions not stated): gnomAD 0.00001.
gnomAD v4.1: 1 of 1,523,156 alleles (0.000066%); highest among the groups gnomAD compares: African/African-American, 0.0014%; no homozygotes.

Submission:

Ambry Genetics
Classification: Uncertain significance for Cardiovascular phenotype. Last evaluated: 2024-02-03. Review status: criteria provided, single submitter. Criteria: Ambry Variant Classification Scheme 2023. Collection method: clinical testing. Allele origin: germline.
Comment: The p.L3294F variant (also known as c.9880C>T), located in coding exon 2 of the ZNF469 gene, results from a C to T substitution at nucleotide position 9880. The leucine at codon 3294 is replaced by phenylalanine, an amino acid with highly similar properties. This amino acid position is conserved. In addition, this alteration is predicted to be tolerated by in silico analysis. Since supporting evidence is limited at this time, the clinical significance of this alteration remains unclear.